The following is an entry in ClinVar:

ClinVar aggregate classification (germline): Benign. Review status: criteria provided, multiple submitters, no conflicts (2 of 4 stars). 3 submissions from 3 submitters: Benign (3). Last evaluated 2026-02-02.

Conditions:
LIPG-related disorder. Also called: LIPG-related condition.

Allele frequency attached by ClinVar (database versions not stated): gnomAD exomes 0.00937; ExAC 0.01106; 1000 Genomes Project 0.03375; 1000 Genomes Project 30x 0.03841; ESP Exome Variant Server 0.04283.
gnomAD v4.1: 10,629 of 1,613,182 alleles (0.66%); highest among the groups gnomAD compares: African/African-American, 13%; 613 homozygotes.

Submissions (3):

Labcorp Genetics (formerly Invitae), Labcorp
Classification: Benign. Last evaluated: 2026-02-02. Review status: criteria provided, single submitter. Criteria: Invitae Variant Classification Sherloc (09022015). Collection method: clinical testing. Allele origin: germline.

PreventionGenetics, part of Exact Sciences
Classification: Benign for LIPG-related condition. Last evaluated: 2024-12-23. Review status: criteria provided, single submitter. Criteria: ACMG Guidelines, 2015. Collection method: clinical testing. Allele origin: germline.
Comment: This variant is classified as benign based on ACMG/AMP sequence variant interpretation guidelines (Richards et al. 2015 PMID: 25741868, with internal and published modifications).

Breakthrough Genomics
Classification: Benign. Review status: criteria provided, single submitter. Criteria: ACMG Guidelines, 2015. Collection method: not provided. Allele origin: germline. Inheritance: Unknown mechanism. Affected: yes.

NM_006033.4(LIPG):c.12C>A (p.Ser4=)

Gene: LIPG (lipase G, endothelial type; plus strand). Cytogenetic location: 18q21.1.
Variant type: single nucleotide variant.
Coding change: c.12C>A on transcript NM_006033.4 (MANE Select); coding-DNA position 12, C replaced by A.
Protein change: p.Ser4=; no amino-acid change (serine 4 retained).
Molecular consequence: synonymous variant.
Genome position (GRCh38, 1-based): chr18:49,562,320, C>A. VCF-style: chr18-49562320-C-A. GRCh37 (hg19) VCF-style: chr18-47088690-C-A.
Other names: c.12C>A, p.Ser4= (NM_001308006.2); c.12C>A (NM_006033.3).
Identifiers: ClinVar variation 1635172 (VCV001635172.9), dbSNP rs874565, ClinGen allele CA8958958.